The following is an entry in ClinVar:

NM_001365999.1(SZT2):c.4646del (p.Gly1549fs)

Gene: SZT2 (SZT2 subunit of KICSTOR complex; plus strand). Cytogenetic location: 1p34.2.
Variant type: Deletion.
Coding change: c.4646del on transcript NM_001365999.1 (MANE Select); coding-DNA position 4646, one base deleted (G; older notation c.4646delG).
Protein change: p.Gly1549fs; shifts the reading frame from glycine 1549.
Molecular consequence: frameshift variant.
Genome position (GRCh38, 1-based): chr1:43,430,661, G deleted; the last of 6 consecutive G bases (chr1:43,430,656-43,430,661); deleting any one gives the same sequence. VCF-style (leftmost placement, unchanged base first): chr1-43430655-TG-T. GRCh37 (hg19) VCF-style: chr1-43896326-TG-T.
Other names: c.4475del, p.Gly1492fs (NM_015284.4); short protein forms G1492fs, G1549fs.
Identifiers: ClinVar variation 4710485 (VCV004710485.1).

ClinVar aggregate classification (germline): Pathogenic (1 of 4 stars; one submission).

Submission:

Labcorp Genetics (formerly Invitae), Labcorp
Classification: Pathogenic. Last evaluated: 2025-07-10. Review status: criteria provided, single submitter. Criteria: Invitae Variant Classification Sherloc (09022015). Collection method: clinical testing. Allele origin: germline.
Comment: This sequence change creates a premature translational stop signal (p.Gly1492Alafs*61) in the SZT2 gene. It is expected to result in an absent or disrupted protein product. Loss-of-function variants in SZT2 are known to be pathogenic (PMID: 23932106, 27248490, 28556953). This variant is not present in population databases (gnomAD no frequency). This variant has not been reported in the literature in individuals affected with SZT2-related conditions. For these reasons, this variant has been classified as Pathogenic.

Literature cited by the submitters: PubMed 23932106; PubMed 27248490; PubMed 28556953.